The following continues an entry in ClinVar:

NM_007294.4(BRCA1):c.3257T>G (p.Leu1086Ter)

ClinVar aggregate classification (germline): Pathogenic. Pathogenic (1).

Submissions 12 to 22 of 22:

Institute of Human Genetics, University of Leipzig Medical Center
Classification: Pathogenic for Breast-ovarian cancer, familial, susceptibility to, 1. Last evaluated: 2018-08-27. Review status: criteria provided, single submitter. Criteria: ACMG Guidelines, 2015. Collection method: clinical testing. Allele origin: germline. Affected: yes. Observed: 1 variant allele. Not counted in ClinVar's aggregate classification.

Mendelics
Classification: Pathogenic for Hereditary breast and ovarian cancer syndrome. Last evaluated: 2018-07-02. Review status: criteria provided, single submitter. Criteria: Mendelics Assertion Criteria 2017. Collection method: clinical testing. Allele origin: unknown. Not counted in ClinVar's aggregate classification.

Consortium of Investigators of Modifiers of BRCA1/2 (CIMBA), c/o University of Cambridge
Classification: Pathogenic for Breast-ovarian cancer, familial, susceptibility to, 1. Last evaluated: 2015-10-02. Review status: criteria provided, single submitter. Criteria: CIMBA Mutation Classification guidelines May 2016. Collection method: clinical testing. Allele origin: germline. Not counted in ClinVar's aggregate classification.

Clinical and Functional Genomics Group, A.C.Camargo Cancer Center
Classification: Pathogenic for Breast Cancer. Review status: criteria provided, single submitter. Criteria: Silva et al. (BMC Med Genet. 2014). Collection method: research. Allele origin: germline. Affected: yes. Not counted in ClinVar's aggregate classification.

Genesis Genomics
Classification: Pathogenic for Breast-ovarian cancer, familial, susceptibility to, 1. Review status: criteria provided, single submitter. Criteria: ACMG Guidelines, 2015. Collection method: clinical testing. Allele origin: germline. Affected: no. Observed: 1 variant allele. Not counted in ClinVar's aggregate classification.

BRCAlab, Lund University
Classification: Pathogenic for Breast-ovarian cancer, familial, susceptibility to, 1. Last evaluated: 2020-03-02. Review status: no assertion criteria provided. Collection method: clinical testing. Allele origin: germline. Affected: yes. Not counted in ClinVar's aggregate classification.

Research Molecular Genetics Laboratory, Women's College Hospital, University of Toronto
Classification: Pathogenic for Hereditary breast ovarian cancer syndrome. Last evaluated: 2014-01-31. Review status: no assertion criteria provided. Collection method: research. Allele origin: germline. Affected: yes. Study: The Canadian Open Genetics Repository (COGR). Not counted in ClinVar's aggregate classification.

Sharing Clinical Reports Project (SCRP)
Classification: Pathogenic for Breast-ovarian cancer, familial 1. Last evaluated: 2010-12-06. Review status: no assertion criteria provided. Collection method: clinical testing. Allele origin: germline. Not counted in ClinVar's aggregate classification.

Breast Cancer Information Core (BIC) (BRCA1)
Classification: Pathogenic for Breast-ovarian cancer, familial 1. Last evaluated: 2002-05-29. Review status: no assertion criteria provided. Collection method: clinical testing. Allele origin: germline. Affected: yes. Observed: 5 variant alleles. Not counted in ClinVar's aggregate classification.

Diagnostic Laboratory, Department of Genetics, University Medical Center Groningen
Classification: Pathogenic. Review status: no assertion criteria provided. Collection method: clinical testing. Allele origin: germline. Affected: yes. Study: VKGL Data-share Consensus. Not counted in ClinVar's aggregate classification.

Joint Genome Diagnostic Labs from Nijmegen and Maastricht, Radboudumc and MUMC+
Classification: Pathogenic. Review status: no assertion criteria provided. Collection method: clinical testing. Allele origin: germline. Affected: yes. Study: VKGL Data-share Consensus. Not counted in ClinVar's aggregate classification.

Literature cited by the submitters: PubMed 20104584 (cited by Labcorp Genetics (formerly Invitae), Labcorp); PubMed 9663595 (cited by 3 submitters); PubMed 11857748 (cited by 3 submitters); PubMed 23479189 (cited by 4 submitters); PubMed 24884479 (cited by 3 submitters); PubMed 24916970 (cited by 3 submitters); PubMed 29446198 (cited by Color Diagnostics, LLC DBA Color Health and Women's Health and Genetics/Laboratory Corporation of America, LabCorp); PubMed 16267036 (cited by Women's Health and Genetics/Laboratory Corporation of America, LabCorp); PubMed 22460208 (cited by Women's Health and Genetics/Laboratory Corporation of America, LabCorp); PubMed 23469205 (cited by Clinical and Functional Genomics Group, A.C.Camargo Cancer Center); Wagner et al. Int. J. Cancer, in press (cited by Breast Cancer Information Core (BIC) (BRCA1)).